The following is an entry in ClinVar:

ClinVar aggregate classification (germline): Pathogenic (1 of 4 stars; one submission).

Conditions:
Glycogen storage disease, type IV (GSD4). Also called: AMYLOPECTINOSIS; ANDERSEN DISEASE; BRANCHER DEFICIENCY; CIRRHOSIS, FAMILIAL, WITH DEPOSITION OF ABNORMAL GLYCOGEN; GBE1 DEFICIENCY; GLYCOGEN BRANCHING ENZYME DEFICIENCY. Identifiers: Orphanet 367, MedGen C0017923, MONDO:0009292, OMIM 232500.

Submission:

Myriad Genetics, Inc.
Classification: Pathogenic for Glycogen storage disease, type IV. Last evaluated: 2024-05-14. Review status: criteria provided, single submitter. Criteria: Myriad Autosomal Dominant, Autosomal Recessive and X-Linked Classification Criteria (2023). Collection method: clinical testing. Allele origin: unknown.
Comment: NM_000158.3(GBE1):c.122del1ins17(Y41Cfs*15) is expected to be pathogenic in the context of glycogen storage disease, GBE1-related. This variant is predicted to lead to an abnormal or absent protein product due to the creation of a premature termination codon in GBE1, a gene where loss-of-function variants are known to be pathogenic. Please note: this variant was assessed in the context of healthy population screening.

NM_000158.4(GBE1):c.122delinsGTCTCTTATACACATCT (p.Tyr41fs)

Gene: GBE1 (1,4-alpha-glucan branching enzyme 1; minus strand). Cytogenetic location: 3p12.2.
Variant type: Indel.
Coding change: c.122delinsGTCTCTTATACACATCT on transcript NM_000158.4 (MANE Select); coding-DNA position 122, A replaced by GTCTCTTATACACATCT.
Protein change: p.Tyr41fs; shifts the reading frame from tyrosine 41.
Molecular consequence: frameshift variant.
Genome position (GRCh38, 1-based): chr3:81,761,396, T replaced by AGATGTGTATAAGAGAC on the plus strand (A replaced by GTCTCTTATACACATCT on the coding strand, the reverse complement: GBE1 is on the minus strand). VCF-style: chr3-81761396-T-AGATGTGTATAAGAGAC. GRCh37 (hg19) VCF-style: chr3-81810547-T-AGATGTGTATAAGAGAC.
Other names: short protein forms Y41fs.
Identifiers: ClinVar variation 5016352 (VCV005016352.1).